The following is an entry in ClinVar:

ClinVar aggregate classification (germline): Uncertain significance (1 of 4 stars; one submission).

Submission:

GeneDx
Classification: Uncertain significance. Last evaluated: 2025-07-03. Review status: criteria provided, single submitter. Criteria: GeneDx Variant Classification Process June 2021. Collection method: clinical testing. Allele origin: germline. Affected: yes.
Comment: Not observed at significant frequency in large population cohorts (gnomAD); In silico analysis supports that this missense variant has a deleterious effect on protein structure/function; Has not been previously published as pathogenic or benign to our knowledge

NM_020699.4(GATAD2B):c.1334T>A (p.Met445Lys)

Gene: GATAD2B (GATA zinc finger domain containing 2B; minus strand). Cytogenetic location: 1q21.3.
Variant type: single nucleotide variant.
Coding change: c.1334T>A on transcript NM_020699.4 (MANE Select); coding-DNA position 1334, T replaced by A.
Protein change: p.Met445Lys; replaces methionine 445 with lysine.
Molecular consequence: missense variant.
Genome position (GRCh38, 1-based): chr1:153,813,335, A>T on the plus strand (T>A on the coding strand, the complement: GATAD2B is on the minus strand). VCF-style: chr1-153813335-A-T. GRCh37 (hg19) VCF-style: chr1-153785811-A-T.
Other names: short protein forms M445K.
Identifiers: ClinVar variation 4681005 (VCV004681005.1).